The following is an entry in ClinVar:

NM_058216.3(RAD51C):c.458_466del (p.Gly153_Ala155del)

Gene: RAD51C (RAD51 paralog C; plus strand). Cytogenetic location: 17q22.
Variant type: Deletion.
Coding change: c.458_466del on transcript NM_058216.3 (MANE Select); coding-DNA positions 458 to 466, 9 bases deleted (GTGAAGCAG; older notation c.458_466delGTGAAGCAG).
Protein change: p.Gly153_Ala155del.
Genome position (GRCh38, 1-based): chr17:58,696,746-58,696,754, GTGAAGCAG deleted; deleting any 9 consecutive bases within chr17:58,696,742-58,696,754 gives the same sequence; the c. name uses the placement nearest the transcript's 3' end. VCF-style (leftmost placement, unchanged base first): chr17-58696741-GGCAGGTGAA-G. GRCh37 (hg19) VCF-style: chr17-56774102-GGCAGGTGAA-G.
Identifiers: ClinVar variation 5027808 (VCV005027808.1).

ClinVar aggregate classification (germline): Uncertain significance (1 of 4 stars; one submission).

Conditions:
Hereditary cancer-predisposing syndrome. Also called: Neoplastic Syndromes, Hereditary; Tumor predisposition; Hereditary neoplastic syndrome; Hereditary Cancer Syndrome. Identifiers: Orphanet 140162, MedGen C0027672, MeSH D009386, MONDO:0015356.

Submission:

Ambry Genetics
Classification: Uncertain significance for Hereditary cancer-predisposing syndrome. Last evaluated: 2026-07-30. Review status: criteria provided, single submitter. Criteria: Ambry Variant Classification Scheme 2023. Collection method: clinical testing. Allele origin: germline.
Comment: The c.458_466delGTGAAGCAG variant (also known as p.G153_A155del) is located in coding exon 3 of the RAD51C gene. This variant results from an in-frame GTGAAGCAG deletion at nucleotide positions 458 to 466. This results in the in-frame deletion of three amino acids at codon 153. This amino acid region is highly conserved in available vertebrate species. In addition, this variant is predicted to be deleterious by in silico analysis (Choi Y et al. PLoS ONE. 2012; 7(10):e46688). Based on the available evidence, the clinical significance of this variant remains unclear.